The following is an entry in ClinVar:

ClinVar aggregate classification (germline): Uncertain significance (1 of 4 stars; one submission).

Conditions:
GYS2-related disorder. Also called: GYS2-related condition.

Submission:

PreventionGenetics, part of Exact Sciences
Classification: Uncertain significance for GYS2-related condition. Last evaluated: 2024-12-18. Review status: criteria provided, single submitter. Criteria: ACMG Guidelines, 2015. Collection method: clinical testing. Allele origin: germline.
Comment: The GYS2 c.823G>C variant is predicted to result in the amino acid substitution p.Asp275His. Of note, this variant also occurs at the last nucleotide of the exon and is predicted to abolish the canonical donor site (SpliceAI, Jaganathan et al. 2019. PubMed ID: 30661751). To our knowledge, this variant has not been reported in the literature or in a large population database (gnomAD), indicating this variant is rare. At this time, the clinical significance of this variant is uncertain due to the absence of conclusive functional and genetic evidence.

NM_021957.4(GYS2):c.823G>C (p.Asp275His)

Gene: GYS2 (glycogen synthase 2; minus strand). Cytogenetic location: 12p12.1.
Variant type: single nucleotide variant.
Coding change: c.823G>C on transcript NM_021957.4 (MANE Select); coding-DNA position 823, G replaced by C.
Protein change: p.Asp275His; replaces aspartic acid 275 with histidine.
Molecular consequence: missense variant.
Genome position (GRCh38, 1-based): chr12:21,568,865, C>G on the plus strand (G>C on the coding strand, the complement: GYS2 is on the minus strand). VCF-style: chr12-21568865-C-G. GRCh37 (hg19) VCF-style: chr12-21721799-C-G.
Other names: short protein forms D275H.
Identifiers: ClinVar variation 3346542 (VCV003346542.2).
Genomic context (GRCh38, chr12:21,568,865, plus strand): 5'-ATCCTCATAGTGTAACATCATTCGGAACTGAAAGATAGGTGATCCAGGGATAATAATTAC[C>G]AGGCTTTCTCTTCAGCATATGTTCAGCTTCTATTGCTGTTATTTCAGAAACCGTGGTGAA-3'
Protein context (NP_068776.2, residues 265-285): EAEHMLKRKP[Asp275His]VVTPNGLNVK